The following is an entry in ClinVar:

NM_001127511.3(APC):c.47C>A (p.Ser16Tyr)

Gene: APC (APC regulator of Wnt signaling pathway; plus strand). Cytogenetic location: 5q22.2.
Variant type: single nucleotide variant.
Coding change: c.47C>A on transcript NM_001127511.3; coding-DNA position 47, C replaced by A.
Protein change: p.Ser16Tyr; replaces serine 16 with tyrosine.
Molecular consequence: missense variant. On other transcripts: 5 prime UTR variant (8), non-coding transcript variant (1), intron variant (5).
Genome position (GRCh38, 1-based): chr5:112,707,764, C>A. VCF-style: chr5-112707764-C-A. GRCh37 (hg19) VCF-style: chr5-112043461-C-A.
Other names: c.-137C>A (NM_001354895.2, NM_001407447.1, NM_001407452.1 and 3 more transcripts); c.47C>A, p.Ser16Tyr (NM_001354897.2, NM_001354902.2, NM_001407446.1); c.-1172C>A (NM_001407470.1, NM_001407472.1); c.-19+115C>A (NM_001407448.1, NM_001407450.1, NM_001407457.1 and 1 more transcripts); c.-43+115C>A (NM_001407453.1); short protein forms S16Y.
Identifiers: ClinVar variation 1467870 (VCV001467870.6), dbSNP rs1750606277, ClinGen allele CA360611753.
Genomic context (GRCh38, chr5:112,707,764, plus strand): 5'-CCTCGGCGCCCCCTATGTACGCCTCCCTGGGCTCGGGTCCGGTCGCCCCTTTGCCCGCTT[C>A]TGTACCACCCTCAGTTCTCGGGTCCTGGAGCACCGGCGGCAGCAGGAGCTGCGTCCGGCA-3'

ClinVar aggregate classification (germline): Uncertain significance (1 of 4 stars; one submission).

Conditions:
Familial adenomatous polyposis 1 (FAP1). Also called: FAMILIAL ADENOMATOUS POLYPOSIS 1, ATTENUATED; POLYPOSIS, ADENOMATOUS INTESTINAL. Identifiers: MedGen C2713442, MONDO:0021056, OMIM 175100. Disease mechanism: loss of function.

Submission:

Labcorp Genetics (formerly Invitae), Labcorp
Classification: Uncertain significance for Familial adenomatous polyposis 1. Last evaluated: 2021-04-17. Review status: criteria provided, single submitter. Criteria: Invitae Variant Classification Sherloc (09022015). Collection method: clinical testing. Allele origin: germline.
Comment: Experimental studies and prediction algorithms are not available or were not evaluated, and the functional significance of this variant is currently unknown. This variant has not been reported in the literature in individuals with APC-related conditions. The frequency data for this variant in the population databases is considered unreliable, as metrics indicate insufficient coverage at this position in the ExAC database. This variant occurs in a non-coding region of the APC gene. It does not change the encoded amino acid sequence of the APC protein. In summary, the available evidence is currently insufficient to determine the role of this variant in disease. Therefore, it has been classified as a Variant of Uncertain Significance.